The following is an entry in ClinVar:

ClinVar aggregate classification (germline): Uncertain significance (1 of 4 stars; one submission).

Allele frequency attached by ClinVar (database versions not stated): gnomAD exomes below 0.00001; gnomAD 0.00001; TOPMed 0.00001.
gnomAD v4.1: 3 of 1,613,264 alleles (0.00019%); highest among the groups gnomAD compares: Non-Finnish European, 0.00025%; no homozygotes.

Submission:

Labcorp Genetics (formerly Invitae), Labcorp
Classification: Uncertain significance. Last evaluated: 2024-10-07. Review status: criteria provided, single submitter. Criteria: Invitae Variant Classification Sherloc (09022015). Collection method: clinical testing. Allele origin: germline.
Comment: This sequence change replaces proline, which is neutral and non-polar, with leucine, which is neutral and non-polar, at codon 119 of the SNRPB protein (p.Pro119Leu). The frequency data for this variant in the population databases is considered unreliable, as metrics indicate poor data quality at this position in the gnomAD database. This variant has not been reported in the literature in individuals affected with SNRPB-related conditions. ClinVar contains an entry for this variant (Variation ID: 2416997). An algorithm developed to predict the effect of missense changes on protein structure and function (PolyPhen-2) suggests that this variant is likely to be tolerated. In summary, the available evidence is currently insufficient to determine the role of this variant in disease. Therefore, it has been classified as a Variant of Uncertain Significance.

NM_003091.4(SNRPB):c.356C>T (p.Pro119Leu)

Gene: SNRPB (small nuclear ribonucleoprotein polypeptides B and B1; minus strand). Cytogenetic location: 20p13.
Variant type: single nucleotide variant.
Coding change: c.356C>T on transcript NM_003091.4 (MANE Select); coding-DNA position 356, C replaced by T.
Protein change: p.Pro119Leu; replaces proline 119 with leucine.
Molecular consequence: missense variant.
Genome position (GRCh38, 1-based): chr20:2,463,811, G>A on the plus strand (C>T on the coding strand, the complement: SNRPB is on the minus strand). VCF-style: chr20-2463811-G-A. GRCh37 (hg19) VCF-style: chr20-2444457-G-A.
Other names: c.356C>T, p.Pro119Leu (NM_198216.2); short protein forms P119L.
Identifiers: ClinVar variation 2416997 (VCV002416997.6), dbSNP rs1433047688, ClinGen allele CA408014467.
Genomic context (GRCh38, chr20:2,463,811, plus strand): 5'-TGGGATGGCCCGCCAACCCCACGGACTGGCCCAGCAAGTCCTGCAGGAGCCTGGGGCATG[G>A]GAACCCCAGCTGGGATTCCTCTGCCAGCAGCCCTGCCGATCCCTGGGCCCCCGGCAGCTC-3'
Protein context (NP_003082.1, residues 109-129): AAGRGIPAGV[Pro119Leu]MPQAPAGLAG